The following is an entry in ClinVar:

NM_170754.4(TNS2):c.2824C>T (p.Pro942Ser)

Gene: TNS2 (tensin 2; plus strand). Cytogenetic location: 12q13.13.
Variant type: single nucleotide variant.
Coding change: c.2824C>T on transcript NM_170754.4 (MANE Select); coding-DNA position 2824, C replaced by T.
Protein change: p.Pro942Ser; replaces proline 942 with serine.
Molecular consequence: missense variant.
Genome position (GRCh38, 1-based): chr12:53,060,730, C>T. VCF-style: chr12-53060730-C-T. GRCh37 (hg19) VCF-style: chr12-53454514-C-T.
Other names: c.2824C>T, p.Pro942Ser (NM_001416202.1); c.2782C>T, p.Pro928Ser (NM_001416203.1); c.2851C>T, p.Pro951Ser (NM_001416204.1); c.2755C>T, p.Pro919Ser (NM_015319.3); c.2452C>T, p.Pro818Ser (NM_198316.2); short protein forms P818S, P919S, P928S, P942S, P951S.
Identifiers: ClinVar variation 4798106 (VCV004798106.1).

ClinVar aggregate classification (germline): Uncertain significance (1 of 4 stars; one submission).

gnomAD v4.1: 7 of 1,605,938 alleles (0.00044%); highest among the groups gnomAD compares: African/African-American, 0.0013%; no homozygotes.

Submission:

Labcorp Genetics (formerly Invitae), Labcorp
Classification: Uncertain significance. Last evaluated: 2025-06-01. Review status: criteria provided, single submitter. Criteria: Invitae Variant Classification Sherloc (09022015). Collection method: clinical testing. Allele origin: germline.
Comment: This sequence change replaces proline, which is neutral and non-polar, with serine, which is neutral and polar, at codon 952 of the TNS2 protein (p.Pro952Ser). This variant is present in population databases (rs747544668, gnomAD 0.0009%). This variant has not been reported in the literature in individuals affected with TNS2-related conditions. An algorithm developed to predict the effect of missense changes on protein structure and function (PolyPhen-2) suggests that this variant is likely to be tolerated. In summary, the available evidence is currently insufficient to determine the role of this variant in disease. Therefore, it has been classified as a Variant of Uncertain Significance.